The following is an entry in ClinVar:

NM_001365951.3(KIF1B):c.5053G>A (p.Glu1685Lys)

Gene: KIF1B (kinesin family member 1B; plus strand). Cytogenetic location: 1p36.22.
Variant type: single nucleotide variant.
Coding change: c.5053G>A on transcript NM_001365951.3 (MANE Select); coding-DNA position 5053, G replaced by A.
Protein change: p.Glu1685Lys; replaces glutamic acid 1685 with lysine.
Molecular consequence: missense variant.
Genome position (GRCh38, 1-based): chr1:10,374,422, G>A. VCF-style: chr1-10374422-G-A. GRCh37 (hg19) VCF-style: chr1-10434480-G-A.
Other names: c.5053G>A, p.Glu1685Lys (NM_001365952.1); c.4915G>A, p.Glu1639Lys (NM_015074.3); short protein forms E1639K, E1685K.
Identifiers: ClinVar variation 1041725 (VCV001041725.20), dbSNP rs764494187, ClinGen allele CA582255.

ClinVar aggregate classification (germline): Uncertain significance. Review status: criteria provided, multiple submitters, no conflicts (2 of 4 stars). 4 submissions from 4 submitters: Uncertain significance (4). Last evaluated 2025-04-22.

Conditions:
Charcot-Marie-Tooth disease type 2. Also called: Charcot-Marie-Tooth type 2. Identifiers: Orphanet 64746, MedGen C0270914, MONDO:0018993.

Allele frequency attached by ClinVar (database versions not stated): gnomAD exomes 0.00001; TOPMed 0.00004; ExAC 0.00001; gnomAD 0.00002.
gnomAD v4.1: 14 of 1,614,052 alleles (0.00087%); highest among the groups gnomAD compares: East Asian, 0.0045%; no homozygotes.

Submissions (4):

Ambry Genetics
Classification: Uncertain significance. Last evaluated: 2025-04-22. Review status: criteria provided, single submitter. Criteria: Ambry Variant Classification Scheme 2023. Collection method: clinical testing. Allele origin: germline.
Comment: The p.E1639K variant (also known as c.4915G>A), located in coding exon 43 of the KIF1B gene, results from a G to A substitution at nucleotide position 4915. The glutamic acid at codon 1639 is replaced by lysine, an amino acid with similar properties. This amino acid position is highly conserved in available vertebrate species. In addition, this alteration is predicted to be deleterious by in silico analysis. The evidence for this gene-disease relationship is limited; therefore, the clinical significance of this alteration is unclear.

Women's Health and Genetics/Laboratory Corporation of America, LabCorp
Classification: Uncertain significance. Last evaluated: 2024-09-24. Review status: criteria provided, single submitter. Criteria: LabCorp Variant Classification Summary - May 2015. Collection method: clinical testing. Allele origin: germline.
Comment: Variant summary: KIF1B c.4915G>A (p.Glu1639Lys) results in a conservative amino acid change in the encoded protein sequence. Three of five in-silico tools predict a benign effect of the variant on protein function. The variant allele was found at a frequency of 8e-06 in 251430 control chromosomes. The available data on variant occurrences in the general population are insufficient to allow any conclusion about variant significance. To our knowledge, no occurrence of c.4915G>A in individuals affected with KIF1B-Related Disorders and no experimental evidence demonstrating its impact on protein function have been reported. ClinVar contains an entry for this variant (Variation ID: 1041725). Based on the evidence outlined above, the variant was classified as uncertain significance.

Labcorp Genetics (formerly Invitae), Labcorp
Classification: Uncertain significance for Charcot-Marie-Tooth disease type 2. Last evaluated: 2024-07-03. Review status: criteria provided, single submitter. Criteria: Invitae Variant Classification Sherloc (09022015). Collection method: clinical testing. Allele origin: germline.
Comment: This sequence change replaces glutamic acid, which is acidic and polar, with lysine, which is basic and polar, at codon 1639 of the KIF1B protein (p.Glu1639Lys). This variant is present in population databases (rs764494187, gnomAD 0.007%). This variant has not been reported in the literature in individuals affected with KIF1B-related conditions. ClinVar contains an entry for this variant (Variation ID: 1041725). An algorithm developed to predict the effect of missense changes on protein structure and function (PolyPhen-2) suggests that this variant is likely to be tolerated. In summary, the available evidence is currently insufficient to determine the role of this variant in disease. Therefore, it has been classified as a Variant of Uncertain Significance.

Mayo Clinic Laboratories, Mayo Clinic
Classification: Uncertain significance. Last evaluated: 2019-10-21. Review status: criteria provided, single submitter. Criteria: ACMG Guidelines, 2015. Collection method: clinical testing. Allele origin: germline. Observed: 1 variant allele.